The following is an entry in ClinVar:

ClinVar aggregate classification (germline): Likely benign. Review status: criteria provided, multiple submitters, no conflicts (2 of 4 stars). 3 submissions from 3 submitters: Likely benign (3). Last evaluated 2024-08-06.

Allele frequency attached by ClinVar (database versions not stated): gnomAD exomes below 0.00001; TOPMed below 0.00001.
gnomAD v4.1: 3 of 1,610,448 alleles (0.00019%); highest among the groups gnomAD compares: Non-Finnish European, 0.00025%; no homozygotes.

Submissions (3):

Blueprint Genetics
Classification: Likely benign. Last evaluated: 2024-08-06. Review status: criteria provided, single submitter. Criteria: ACMG Guidelines, 2015. Collection method: clinical testing. Allele origin: germline.

CeGaT Center for Human Genetics Tuebingen
Classification: Likely benign. Last evaluated: 2024-08-01. Review status: criteria provided, single submitter. Criteria: CeGaT Center For Human Genetics Tuebingen Variant Classification Criteria Version 2. Collection method: clinical testing. Allele origin: germline. Affected: yes. Observed: 1 variant allele.
Comment: GPAA1: BP4, BP7

Labcorp Genetics (formerly Invitae), Labcorp
Classification: Likely benign. Last evaluated: 2023-01-02. Review status: criteria provided, single submitter. Criteria: Invitae Variant Classification Sherloc (09022015). Collection method: clinical testing. Allele origin: germline.

NM_003801.4(GPAA1):c.1315C>T (p.Leu439=)

Gene: GPAA1 (glycosylphosphatidylinositol anchor attachment 1; plus strand). Cytogenetic location: 8q24.3.
Variant type: single nucleotide variant.
Coding change: c.1315C>T on transcript NM_003801.4 (MANE Select); coding-DNA position 1315, C replaced by T.
Protein change: p.Leu439=; no amino-acid change (leucine 439 retained).
Molecular consequence: synonymous variant.
Genome position (GRCh38, 1-based): chr8:144,085,343, C>T. VCF-style: chr8-144085343-C-T. GRCh37 (hg19) VCF-style: chr8-145140246-C-T.
Identifiers: ClinVar variation 1628726 (VCV001628726.26), dbSNP rs1554764203, ClinGen allele CA463541310.
Genomic context (GRCh38, chr8:144,085,343, plus strand): 5'-CTGCAGGGTGTGGGGCTGGCCTCGCTCGTGGCACCTCTGCTGATCTCACAGGCCATGGGA[C>T]TGGCCCTCTATGTCCTGCCAGTGCTGGGCCAACACGTTGCCACCCAGCACTTCCCAGTGG-3'
Protein context (NP_003792.1, residues 429-449): APLLISQAMG[Leu439=]ALYVLPVLGQ